The following is an entry in ClinVar:

ClinVar aggregate classification (germline): Uncertain significance. Review status: criteria provided, multiple submitters, no conflicts (2 of 4 stars). 5 submissions from 5 submitters: Uncertain significance (5). Last evaluated 2025-11-09.

Conditions:
Fanconi anemia (FA). Also called: Fanconi's anemia. Identifiers: Orphanet 84, MedGen C0015625, MeSH D005199, MONDO:0019391.
Fanconi anemia complementation group P. Also called: SLX4-Related Fanconi Anemia. Identifiers: Orphanet 84, MedGen C3469542, MONDO:0013499, OMIM 613951.
Inborn genetic diseases. Identifiers: MedGen C0950123, MeSH D030342.

Allele frequency attached by ClinVar (database versions not stated): ExAC 0.00002; TOPMed 0.00002; gnomAD 0.00003; gnomAD exomes 0.00004.
gnomAD v4.1: 26 of 1,613,930 alleles (0.0016%); highest among the groups gnomAD compares: Non-Finnish European, 0.0017%; no homozygotes.

Submissions (5):

Labcorp Genetics (formerly Invitae), Labcorp
Classification: Uncertain significance for Fanconi anemia. Last evaluated: 2025-11-09. Review status: criteria provided, single submitter. Criteria: Invitae Variant Classification Sherloc (09022015). Collection method: clinical testing. Allele origin: germline.
Comment: This sequence change replaces alanine, which is neutral and non-polar, with serine, which is neutral and polar, at codon 117 of the SLX4 protein (p.Ala117Ser). This variant is present in population databases (rs775853263, gnomAD 0.008%). This variant has not been reported in the literature in individuals affected with SLX4-related conditions. ClinVar contains an entry for this variant (Variation ID: 456310). An algorithm developed to predict the effect of missense changes on protein structure and function (PolyPhen-2) suggests that this variant is likely to be tolerated. In summary, the available evidence is currently insufficient to determine the role of this variant in disease. Therefore, it has been classified as a Variant of Uncertain Significance.

Ambry Genetics
Classification: Uncertain significance for Inborn genetic diseases. Last evaluated: 2025-08-30. Review status: criteria provided, single submitter. Criteria: Ambry Variant Classification Scheme 2023. Collection method: clinical testing. Allele origin: germline.

Fulgent Genetics
Classification: Uncertain significance for Fanconi anemia complementation group P. Last evaluated: 2022-04-02. Review status: criteria provided, single submitter. Criteria: ACMG Guidelines, 2015. Collection method: clinical testing. Allele origin: unknown.

Genetic Services Laboratory, University of Chicago
Classification: Uncertain significance. Last evaluated: 2019-07-08. Review status: criteria provided, single submitter. Criteria: ACMG Guidelines, 2015. Collection method: clinical testing. Allele origin: germline. Affected: no.

Breakthrough Genomics
Classification: Uncertain significance. Review status: criteria provided, single submitter. Criteria: ACMG Guidelines, 2015. Collection method: not provided. Allele origin: germline. Inheritance: Autosomal recessive inheritance. Affected: yes.

NM_032444.4(SLX4):c.349G>T (p.Ala117Ser)

Gene: SLX4 (SLX4 structure-specific endonuclease subunit; minus strand). Cytogenetic location: 16p13.3.
Variant type: single nucleotide variant.
Coding change: c.349G>T on transcript NM_032444.4 (MANE Select); coding-DNA position 349, G replaced by T.
Protein change: p.Ala117Ser; replaces alanine 117 with serine.
Molecular consequence: missense variant.
Genome position (GRCh38, 1-based): chr16:3,608,616, C>A on the plus strand (G>T on the coding strand, the complement: SLX4 is on the minus strand). VCF-style: chr16-3608616-C-A. GRCh37 (hg19) VCF-style: chr16-3658617-C-A.
Other names: c.349G>T (LRG_503t1); short protein forms A117S.
Identifiers: ClinVar variation 456310 (VCV000456310.14), dbSNP rs775853263, ClinGen allele CA7866901.